The following is an entry in ClinVar:

NM_000548.5(TSC2):c.4532G>T (p.Gly1511Val)

Gene: TSC2 (TSC complex subunit 2; plus strand). Cytogenetic location: 16p13.3.
Variant type: single nucleotide variant.
Coding change: c.4532G>T on transcript NM_000548.5 (MANE Select); coding-DNA position 4532, G replaced by T.
Protein change: p.Gly1511Val; replaces glycine 1511 with valine.
Molecular consequence: missense variant.
Genome position (GRCh38, 1-based): chr16:2,084,989, G>T. VCF-style: chr16-2084989-G-T. GRCh37 (hg19) VCF-style: chr16-2134990-G-T.
Other names: c.4331G>T, p.Gly1444Val (NM_001077183.3); c.4463G>T, p.Gly1488Val (NM_001114382.3); c.4223G>T, p.Gly1408Val (NM_001318827.2); c.4187G>T, p.Gly1396Val (NM_001318829.2); c.3800G>T, p.Gly1267Val (NM_001318831.2); c.4364G>T, p.Gly1455Val (NM_001318832.2); c.4334G>T, p.Gly1445Val (NM_001363528.2); c.4400G>T, p.Gly1467Val (NM_001370404.1); and 1 more; short protein forms G1445V, G1467V, G1267V, G1408V, G1488V, G1511V, G1396V, G1444V.
Identifiers: ClinVar variation 1390293 (VCV001390293.8), dbSNP rs2151544129, ClinGen allele CA394302877.

ClinVar aggregate classification (germline): Uncertain significance. Review status: criteria provided, multiple submitters, no conflicts (2 of 4 stars). 2 submissions from 2 submitters: Uncertain significance (2). Last evaluated 2025-08-27.

Conditions:
Tuberous sclerosis 2 (TSC2). Identifiers: Orphanet 805, MedGen C1860707, MONDO:0013199, OMIM 613254.

Submissions (2):

Dasa
Classification: Uncertain significance for Tuberous sclerosis 2. Last evaluated: 2025-08-27. Review status: criteria provided, single submitter. Criteria: DASA Assertion Criteria. Collection method: clinical testing. Allele origin: germline.
Comment: NM_000548.5(TSC2):c.4532G>T (p.Gly1511Val) is a missense variant that results in the substitution of glycine with valine. This variant is absent from population databases. Computational prediction algorithms are consistent with a deleterious effect. The currently available literature and clinical evidence are not sufficient to establish a definitive association between this variant and the reported condition. Therefore, this variant is classified as a variant of uncertain significance.

Labcorp Genetics (formerly Invitae), Labcorp
Classification: Uncertain significance for Tuberous sclerosis 2. Last evaluated: 2022-09-07. Review status: criteria provided, single submitter. Criteria: Invitae Variant Classification Sherloc (09022015). Collection method: clinical testing. Allele origin: germline.
Comment: Advanced modeling of protein sequence and biophysical properties (such as structural, functional, and spatial information, amino acid conservation, physicochemical variation, residue mobility, and thermodynamic stability) performed at Invitae indicates that this missense variant is not expected to disrupt TSC2 protein function. In summary, the available evidence is currently insufficient to determine the role of this variant in disease. Therefore, it has been classified as a Variant of Uncertain Significance. ClinVar contains an entry for this variant (Variation ID: 1390293). This sequence change replaces glycine, which is neutral and non-polar, with valine, which is neutral and non-polar, at codon 1511 of the TSC2 protein (p.Gly1511Val). This variant is not present in population databases (gnomAD no frequency). This variant has not been reported in the literature in individuals affected with TSC2-related conditions.